The following is an entry in ClinVar:

ClinVar aggregate classification (germline): Pathogenic (1 of 4 stars; one submission).

Conditions:
Marfan syndrome (MFS). Also called: MARFAN SYNDROME, TYPE I; FBN1-Related Marfan Syndrome; Marfan syndrome type 1; Marfan's syndrome; Marfan syndrome, classic. Identifiers: Orphanet 284963, Orphanet 558, MedGen C0024796, MONDO:0007947, OMIM 154700.
Familial thoracic aortic aneurysm and aortic dissection (TAAD). Also called: Thoracic aortic aneurysms and dissections. Identifiers: Orphanet 91387, MedGen C4707243, MONDO:0019625.

Submission:

Labcorp Genetics (formerly Invitae), Labcorp
Classification: Pathogenic for Marfan syndrome; Familial thoracic aortic aneurysm and aortic dissection. Last evaluated: 2021-08-12. Review status: criteria provided, single submitter. Criteria: Invitae Variant Classification Sherloc (09022015). Collection method: clinical testing. Allele origin: germline.
Comment: This variant is a gross deletion of the genomic region encompassing exon(s) 19-66 of the FBN1 gene. This deletion is out-of-frame, and is expected to create a premature termination codon and result in an absent or disrupted protein product. Loss-of-function variants in FBN1 are known to be pathogenic (PMID: 17657824, 19293843). This variant is not present in population databases (ExAC no frequency). This variant has not been reported in the literature in individuals affected with FBN1-related conditions. For these reasons, this variant has been classified as Pathogenic.

Literature cited by the submitters: PubMed 17657824; PubMed 19293843.

NC_000015.10:g.(?_48410970)_(48497411_?)del

Genes: FBN1 (fibrillin 1; minus strand), LOC126862124 (CDK7 strongly-dependent group 2 enhancer GRCh37_chr15:48764566-48765765; plus strand). Cytogenetic location: 15q21.1.
Variant type: Deletion.
Identifiers: ClinVar variation 457150 (VCV000457150.7).